The following is an entry in ClinVar:

ClinVar aggregate classification (germline): Uncertain significance (1 of 4 stars; one submission).

Conditions:
KBG syndrome (KBGS). Also called: ANKRD11-Related KBG Syndrome. Identifiers: Orphanet 2332, MedGen C0220687, MONDO:0007846, OMIM 148050.

gnomAD v4.1: 4 of 1,611,284 alleles (0.00025%); highest among the groups gnomAD compares: Non-Finnish European, 0.00025%; no homozygotes.

Submission:

Labcorp Genetics (formerly Invitae), Labcorp
Classification: Uncertain significance for KBG syndrome. Last evaluated: 2024-11-25. Review status: criteria provided, single submitter. Criteria: Invitae Variant Classification Sherloc (09022015). Collection method: clinical testing. Allele origin: germline.
Comment: This sequence change replaces threonine, which is neutral and polar, with methionine, which is neutral and non-polar, at codon 1920 of the ANKRD11 protein (p.Thr1920Met). This variant is not present in population databases (gnomAD no frequency). This variant has not been reported in the literature in individuals affected with ANKRD11-related conditions. Invitae Evidence Modeling of protein sequence and biophysical properties (such as structural, functional, and spatial information, amino acid conservation, physicochemical variation, residue mobility, and thermodynamic stability) indicates that this missense variant is not expected to disrupt ANKRD11 protein function with a negative predictive value of 95%. In summary, the available evidence is currently insufficient to determine the role of this variant in disease. Therefore, it has been classified as a Variant of Uncertain Significance.

NM_013275.6(ANKRD11):c.5759C>T (p.Thr1920Met)

Gene: ANKRD11 (ankyrin repeat domain 11; minus strand). Cytogenetic location: 16q24.3.
Variant type: single nucleotide variant.
Coding change: c.5759C>T on transcript NM_013275.6 (MANE Select); coding-DNA position 5759, C replaced by T.
Protein change: p.Thr1920Met; replaces threonine 1920 with methionine.
Molecular consequence: missense variant.
Genome position (GRCh38, 1-based): chr16:89,280,783, G>A on the plus strand (C>T on the coding strand, the complement: ANKRD11 is on the minus strand). VCF-style: chr16-89280783-G-A. GRCh37 (hg19) VCF-style: chr16-89347191-G-A.
Other names: c.5759C>T, p.Thr1920Met (NM_001256182.2, NM_001256183.2); short protein forms T1920M.
Identifiers: ClinVar variation 3705443 (VCV003705443.2).
Genomic context (GRCh38, chr16:89,280,783, plus strand): 5'-CTGAAGGGACCCTCGTCCAGCGGCTCCAGGTAGCTGGGCTCCGGGGGGATGATGGCGGCC[G>A]TCGCCTGCTGGTCCTCGGAGGTGTCCAGGTCCGGGGGAAGGGCCCCTTCGAGGGAAGGAA-3'
Protein context (NP_037407.4, residues 1910-1930): DLDTSEDQQA[Thr1920Met]AAIIPPEPSY